The following is an entry in ClinVar:

ClinVar aggregate classification (germline): Pathogenic. Review status: criteria provided, multiple submitters, no conflicts (2 of 4 stars). 3 submissions from 3 submitters: Pathogenic (3). Last evaluated 2025-05-27.

Conditions:
Hereditary factor VIII deficiency disease (HEMA). Also called: HEMOPHILIA, CLASSIC; AUTOSOMAL HEMOPHILIA A; Hemophilia A; Hemophilia A, congenital; HEM A; Factor 8 deficiency, congenital. Identifiers: Orphanet 98878, MedGen C0019069, MONDO:0010602, OMIM 306700.
F8-related disorders.

Submissions (3):

Women's Health and Genetics/Laboratory Corporation of America, LabCorp
Classification: Pathogenic for Hereditary factor VIII deficiency disease. Last evaluated: 2025-05-27. Review status: criteria provided, single submitter. Criteria: LabCorp Variant Classification Summary - May 2015. Collection method: clinical testing. Allele origin: germline.
Comment: Variant summary: F8 c.1474T>C (p.Tyr492His) results in a conservative amino acid change in the encoded protein sequence. Algorithms developed to predict the effect of missense changes on protein structure and function are either unavailable or do not agree on the potential impact of this missense change. The variant was absent in 183074 control chromosomes. c.1474T>C has been observed in multiple individuals affected with Factor VIII Deficiency (Hemophilia A) with a mild-to-moderate phenotype (e.g. Higuchi_1991, Miller_2011, Johnsen_2017). These data indicate that the variant is very likely to be associated with disease. The following publications have been ascertained in the context of this evaluation (PMID: 1908096, 22103590, 29296726). ClinVar contains an entry for this variant (Variation ID: 3766815). Based on the evidence outlined above, the variant was classified as pathogenic.

ARUP Laboratories, Molecular Genetics and Genomics, ARUP Laboratories
Classification: Pathogenic. Last evaluated: 2025-02-19. Review status: criteria provided, single submitter. Criteria: ARUP Molecular Germline Variant Investigation Process 2024. Collection method: clinical testing. Allele origin: germline.
Comment: The F8 c.1474T>C; p.Tyr492His variant (rs137852411), also known as Tyr473His, is reported in the literature in multiple individuals with mild-moderate hemophilia A (Higuchi 1991, Johnsen 2017). This variant is absent from the Genome Aggregation Database (v2.1.1), indicating it is not a common polymorphism. Computational analyses predict that this variant is deleterious (REVEL: 0.897). Based on available information, this variant is considered to be pathogenic. References: Higuchi M et al. Molecular characterization of severe hemophilia A suggests that about half the mutations are not within the coding regions and splice junctions of the factor VIII gene. Proc Natl Acad Sci U S A. 1991 Aug 15;88(16):7405-9. PMID: 1908096. Johnsen JM et al. Novel approach to genetic analysis and results in 3000 hemophilia patients enrolled in the My Life, Our Future initiative. Blood Adv. 2017 May 18;1(13):824-834. PMID: 29296726.

Blueprint Genetics
Classification: Pathogenic for F8-related disorders. Last evaluated: 2019-11-08. Review status: criteria provided, single submitter. Criteria: ACMG Guidelines, 2015. Collection method: clinical testing. Allele origin: germline. Affected: yes. Observed: 2 variant alleles.

Literature cited by the submitters: PubMed 22103590 (cited by Women's Health and Genetics/Laboratory Corporation of America, LabCorp); PubMed 29296726 (cited by Women's Health and Genetics/Laboratory Corporation of America, LabCorp); PubMed 1908096 (cited by Women's Health and Genetics/Laboratory Corporation of America, LabCorp).

NM_000132.4(F8):c.1474T>C (p.Tyr492His)

Gene: F8 (coagulation factor VIII; minus strand). Cytogenetic location: Xq28.
Variant type: single nucleotide variant.
Coding change: c.1474T>C on transcript NM_000132.4 (MANE Select); coding-DNA position 1474, T replaced by C.
Protein change: p.Tyr492His; replaces tyrosine 492 with histidine.
Molecular consequence: missense variant.
Genome position (GRCh38, 1-based): chrX:154,961,138, A>G on the plus strand (T>C on the coding strand, the complement: F8 is on the minus strand). VCF-style: chrX-154961138-A-G. GRCh37 (hg19) VCF-style: chrX-154189413-A-G.
Other names: short protein forms Y492H.
Identifiers: ClinVar variation 3766815 (VCV003766815.4).